The following is an entry in ClinVar:

NM_001943.5(DSG2):c.2734G>T (p.Val912Leu)

Genes: DSG2 (desmoglein 2; plus strand), DSG2-AS1 (DSG2 antisense RNA 1; minus strand). Cytogenetic location: 18q12.1.
Variant type: single nucleotide variant.
Coding change: c.2734G>T on transcript NM_001943.5 (MANE Select); coding-DNA position 2734, G replaced by T.
Protein change: p.Val912Leu; replaces valine 912 with leucine.
Molecular consequence: missense variant.
Genome position (GRCh38, 1-based): chr18:31,546,120, G>T. VCF-style: chr18-31546120-G-T. GRCh37 (hg19) VCF-style: chr18-29126083-G-T.
Other names: short protein forms V912L.
Identifiers: ClinVar variation 3894030 (VCV003894030.1).

ClinVar aggregate classification (germline): Uncertain significance (1 of 4 stars; one submission).

Conditions:
Cardiomyopathy (CMYO). Also called: Cardiomyopathies. Identifiers: Orphanet 167848, MedGen C0878544, MONDO:0004994, HP:0001638. Inheritance: Various modes of inheritance.

Submission:

Color Diagnostics, LLC DBA Color Health
Classification: Uncertain significance for Cardiomyopathy. Last evaluated: 2024-08-12. Review status: criteria provided, single submitter. Criteria: ACMG Guidelines, 2015. Collection method: clinical testing. Allele origin: germline.
Comment: This missense variant replaces valine with leucine at codon 912 of the DSG2 protein. Computational prediction suggests that this variant may not impact protein structure and function (internally defined REVEL score threshold <= 0.5, PMID: 27666373). To our knowledge, functional studies have not been reported for this variant. This variant has not been reported in individuals affected with DSG2-related disorders in the literature. This variant has not been identified in the general population by the Genome Aggregation Database (gnomAD). The available evidence is insufficient to determine the role of this variant in disease conclusively. Therefore, this variant is classified as a Variant of Uncertain Significance.